The following is an entry in ClinVar:

NM_000091.5(COL4A3):c.3539G>A (p.Gly1180Asp)

Genes: COL4A3 (collagen type IV alpha 3 chain; plus strand), MFF-DT (MFF divergent transcript; minus strand). Cytogenetic location: 2q36.3.
Variant type: single nucleotide variant.
Coding change: c.3539G>A on transcript NM_000091.5 (MANE Select); coding-DNA position 3539, G replaced by A.
Protein change: p.Gly1180Asp; replaces glycine 1180 with aspartic acid.
Molecular consequence: missense variant.
Genome position (GRCh38, 1-based): chr2:227,295,290, G>A. VCF-style: chr2-227295290-G-A. GRCh37 (hg19) VCF-style: chr2-228160006-G-A.
Other names: short protein forms G1180D.
Identifiers: ClinVar variation 3256892 (VCV003256892.1).

ClinVar aggregate classification (germline): Likely pathogenic (1 of 4 stars; one submission).

Conditions:
Autosomal dominant Alport syndrome (ATS3A). Also called: Alport syndrome dominant type; Renal failure and sensorineural hearing loss; ALPORT SYNDROME 3A, AUTOSOMAL DOMINANT. Identifiers: Orphanet 63, Orphanet 88918, MedGen C5882663, MONDO:0007086, OMIM 104200.

Submission:

MVZ Medizinische Genetik Mainz
Classification: Likely pathogenic for Autosomal dominant Alport syndrome. Last evaluated: 2024-07-04. Review status: criteria provided, single submitter. Criteria: UK Practice Guidelines For Variant Classification V4 01 2020. Collection method: clinical testing. Allele origin: germline. Inheritance: Autosomal dominant inheritance. Affected: yes. Observed: 1 variant allele.
Comment: ACMG Criteria: PM1_STR,PM2_SUP,PP3,PP4